The following is an entry in ClinVar:

ClinVar aggregate classification (germline): Pathogenic/Likely pathogenic. Review status: criteria provided, multiple submitters, no conflicts (2 of 4 stars). 3 submissions from 3 submitters: Pathogenic (1); Likely pathogenic (1). 1 of the submissions does not count toward it. Last evaluated 2023-01-26.

Conditions:
Charcot-Marie-Tooth disease type 4B1. Also called: Charcot-Marie-Tooth Neuropathy Type 4B1; CHARCOT-MARIE-TOOTH DISEASE, AUTOSOMAL RECESSIVE, WITH FOCALLY FOLDED MYELIN SHEATHS, AUTOSOMAL RECESSIVE, TYPE 4B1; CHARCOT-MARIE-TOOTH DISEASE, TYPE 4B; CHARCOT-MARIE-TOOTH DISEASE, DEMYELINATING, TYPE 4B1. Identifiers: Orphanet 99955, MedGen C1832399, MONDO:0011066, OMIM 601382.
Charcot-Marie-Tooth disease type 4. Also called: Charcot-Marie-Tooth disease, type IV; Charcot-Marie-Tooth, Type 4. Identifiers: Orphanet 64749, MedGen C4082197, MONDO:0018995.

Submissions (3):

Labcorp Genetics (formerly Invitae), Labcorp
Classification: Pathogenic for Charcot-Marie-Tooth disease type 4. Last evaluated: 2023-01-26. Review status: criteria provided, single submitter. Criteria: Invitae Variant Classification Sherloc (09022015). Collection method: clinical testing. Allele origin: germline.
Comment: For these reasons, this variant has been classified as Pathogenic. ClinVar contains an entry for this variant (Variation ID: 804461). This variant has not been reported in the literature in individuals affected with MTMR2-related conditions. This variant is not present in population databases (gnomAD no frequency). This sequence change creates a premature translational stop signal (p.Lys256Glufs*20) in the MTMR2 gene. It is expected to result in an absent or disrupted protein product. Loss-of-function variants in MTMR2 are known to be pathogenic (PMID: 10802647).

Hadassah Hebrew University Medical Center
Classification: Likely pathogenic for Charcot-Marie-Tooth disease type 4B1. Last evaluated: 2019-06-20. Review status: criteria provided, single submitter. Criteria: ACMG Guidelines, 2015. Collection method: clinical testing. Allele origin: germline. Inheritance: Autosomal recessive inheritance. Affected: yes.

Section for Clinical Neurogenetics, University of Tübingen
Classification: Likely pathogenic for Charcot-Marie-Tooth disease type 4B1. Last evaluated: 2019-08-01. Review status: no assertion criteria provided. Collection method: research. Allele origin: germline. Affected: yes. Not counted in ClinVar's aggregate classification.

Literature cited by the submitters: PubMed 10802647 (cited by Labcorp Genetics (formerly Invitae), Labcorp); PubMed 32214227 (cited by Section for Clinical Neurogenetics, University of Tübingen).

NM_016156.6(MTMR2):c.766_767del (p.Lys256fs)

Gene: MTMR2 (myotubularin related protein 2; minus strand). Cytogenetic location: 11q21.
Variant type: Deletion.
Coding change: c.766_767del on transcript NM_016156.6 (MANE Select); coding-DNA positions 766 to 767, 2 bases deleted (AA; older notation c.766_767delAA).
Protein change: p.Lys256fs; shifts the reading frame from lysine 256.
Molecular consequence: frameshift variant.
Genome position (GRCh38, 1-based): chr11:95,850,637-95,850,638, TT deleted on the plus strand (AA on the coding strand, the reverse complement: MTMR2 is on the minus strand); deleting any 2 consecutive bases within chr11:95,850,637-95,850,639 gives the same sequence; the c. name uses the placement nearest the transcript's 3' end. VCF-style (leftmost placement, unchanged base first): chr11-95850636-CTT-C. GRCh37 (hg19) VCF-style: chr11-95583800-CTT-C.
Other names: c.550_551del, p.Lys184fs (NM_001243571.2, NM_201278.3, NM_201281.3); short protein forms K184fs, K256fs.
Identifiers: ClinVar variation 804461 (VCV000804461.9), dbSNP rs769429967, ClinGen allele CA915947758.